The following is an entry in ClinVar:

NM_002439.5(MSH3):c.1052A>T (p.Asp351Val)

Gene: MSH3 (mutS homolog 3; plus strand). Cytogenetic location: 5q14.1.
Variant type: single nucleotide variant.
Coding change: c.1052A>T on transcript NM_002439.5 (MANE Select); coding-DNA position 1052, A replaced by T.
Protein change: p.Asp351Val; replaces aspartic acid 351 with valine.
Molecular consequence: missense variant.
Genome position (GRCh38, 1-based): chr5:80,675,007, A>T. VCF-style: chr5-80675007-A-T. GRCh37 (hg19) VCF-style: chr5-79970826-A-T.
Other names: c.1052A>T (NM_002439.3); short protein forms D351V.
Identifiers: ClinVar variation 1053179 (VCV001053179.12), dbSNP rs555101803, ClinGen allele CA360267903.
Genomic context (GRCh38, chr5:80,675,007, plus strand): 5'-TTTAGCATATAATTATTTTTCTTTAATTATTATTAAATGTGAATCCCCTAATCAAGCTGG[A>T]TGATGCTGTAAATGTTGATGAGATAATGACTGATACTTCTACCAGCTATCTTCTGTGCAT-3'
Protein context (NP_002430.3, residues 341-361): GEDVNPLIKL[Asp351Val]DAVNVDEIMT

ClinVar aggregate classification (germline): Uncertain significance. Review status: criteria provided, multiple submitters, no conflicts (2 of 4 stars). 2 submissions from 2 submitters: Uncertain significance (2). Last evaluated 2023-04-16.

Conditions:
Hereditary cancer-predisposing syndrome. Also called: Tumor predisposition; Hereditary neoplastic syndrome; Hereditary Cancer Syndrome; Neoplastic Syndromes, Hereditary. Identifiers: Orphanet 140162, MedGen C0027672, MeSH D009386, MONDO:0015356.

gnomAD v4.1: 1 of 1,610,484 alleles (0.000062%); highest among the groups gnomAD compares: East Asian, 0.0022%; no homozygotes.

Submissions (2):

Ambry Genetics
Classification: Uncertain significance for Hereditary cancer-predisposing syndrome. Last evaluated: 2023-04-16. Review status: criteria provided, single submitter. Criteria: Ambry Variant Classification Scheme 2023. Collection method: clinical testing. Allele origin: germline.
Comment: The p.D351V variant (also known as c.1052A>T), located in coding exon 7 of the MSH3 gene, results from an A to T substitution at nucleotide position 1052. The aspartic acid at codon 351 is replaced by valine, an amino acid with highly dissimilar properties. This amino acid position is conserved. In addition, the in silico prediction for this alteration is inconclusive. Since supporting evidence is limited at this time, the clinical significance of this alteration remains unclear.

Labcorp Genetics (formerly Invitae), Labcorp
Classification: Uncertain significance. Last evaluated: 2020-01-23. Review status: criteria provided, single submitter. Criteria: Invitae Variant Classification Sherloc (09022015). Collection method: clinical testing. Allele origin: germline.
Comment: In summary, the available evidence is currently insufficient to determine the role of this variant in disease. Therefore, it has been classified as a Variant of Uncertain Significance. Algorithms developed to predict the effect of missense changes on protein structure and function are either unavailable or do not agree on the potential impact of this missense change (SIFT: "Deleterious"; PolyPhen-2: "Possibly Damaging"; Align-GVGD: "Class C15"). This variant has not been reported in the literature in individuals with MSH3-related conditions. This variant is not present in population databases (ExAC no frequency). This sequence change replaces aspartic acid with valine at codon 351 of the MSH3 protein (p.Asp351Val). The aspartic acid residue is highly conserved and there is a large physicochemical difference between aspartic acid and valine.